The following is an entry in ClinVar:

NM_182746.3(MCM4):c.988C>T (p.Arg330Cys)

Gene: MCM4 (minichromosome maintenance complex component 4; plus strand). Cytogenetic location: 8q11.21.
Variant type: single nucleotide variant.
Coding change: c.988C>T on transcript NM_182746.3 (MANE Select); coding-DNA position 988, C replaced by T.
Protein change: p.Arg330Cys; replaces arginine 330 with cysteine.
Molecular consequence: missense variant.
Genome position (GRCh38, 1-based): chr8:47,966,342, C>T. VCF-style: chr8-47966342-C-T. GRCh37 (hg19) VCF-style: chr8-48878902-C-T.
Other names: c.988C>T, p.Arg330Cys (NM_005914.4); short protein forms R330C.
Identifiers: ClinVar variation 1448378 (VCV001448378.5), dbSNP rs144766420, ClinGen allele CA4742482.

ClinVar aggregate classification (germline): Uncertain significance (1 of 4 stars; one submission).

Allele frequency attached by ClinVar (database versions not stated): gnomAD 0.00011 and 0.00014; ESP Exome Variant Server 0.00015; TOPMed 0.00017.
gnomAD v4.1: 40 of 1,613,906 alleles (0.0025%); highest among the groups gnomAD compares: African/African-American, 0.039%; 1 homozygote.

Submission:

Labcorp Genetics (formerly Invitae), Labcorp
Classification: Uncertain significance. Last evaluated: 2022-06-20. Review status: criteria provided, single submitter. Criteria: Invitae Variant Classification Sherloc (09022015). Collection method: clinical testing. Allele origin: germline.
Comment: This sequence change replaces arginine, which is basic and polar, with cysteine, which is neutral and slightly polar, at codon 330 of the MCM4 protein (p.Arg330Cys). The frequency data for this variant in the population databases is considered unreliable, as metrics indicate poor data quality at this position in the gnomAD database. This variant has not been reported in the literature in individuals affected with MCM4-related conditions. Algorithms developed to predict the effect of missense changes on protein structure and function are either unavailable or do not agree on the potential impact of this missense change (SIFT: "Deleterious"; PolyPhen-2: "Benign"; Align-GVGD: "Class C25"). Algorithms developed to predict the effect of sequence changes on RNA splicing suggest that this variant may create or strengthen a splice site. In summary, the available evidence is currently insufficient to determine the role of this variant in disease. Therefore, it has been classified as a Variant of Uncertain Significance.